The following is an entry in ClinVar:

ClinVar aggregate classification (germline): Likely pathogenic. Review status: criteria provided, multiple submitters, no conflicts (2 of 4 stars). 2 submissions from 2 submitters: Likely pathogenic (2). Last evaluated 2023-10-01.

Conditions:
COL2A1-related disorder. Also called: COL2A1-related condition; COL2A1-related disorders.

Submissions (2):

PreventionGenetics, part of Exact Sciences
Classification: Likely pathogenic for COL2A1-related condition. Last evaluated: 2023-10-01. Review status: criteria provided, single submitter. Criteria: ACMG Guidelines, 2015. Collection method: clinical testing. Allele origin: germline.
Comment: The COL2A1 c.1258G>A variant is predicted to result in the amino acid substitution p.Gly420Arg. To our knowledge, this variant has not been reported in the literature or in a large population database, indicating this variant is rare. The p.Gly420 variant affects a Gly residue of the conserved triple helical domain, where substitutions of the glycine are usually pathogenic (Barat-Houari et al. 2016. PubMed ID: 26626311). A different substitution at this Gly residue (p.Gly420Glu) has been reported in a patient with spondyloepiphyseal dysplasia congenita (Barat-Houari et al 2016. PubMed ID: 26626311). The p.Gly420Arg has been reported by an outside laboratory as likely pathogenic in ClinVar. This variant has not been reported in a large population database, indicating this variant is rare. This variant is interpreted as likely pathogenic.

Labcorp Genetics (formerly Invitae), Labcorp
Classification: Likely pathogenic. Last evaluated: 2022-06-13. Review status: criteria provided, single submitter. Criteria: Invitae Variant Classification Sherloc (09022015). Collection method: clinical testing. Allele origin: germline.
Comment: In summary, the currently available evidence indicates that the variant is pathogenic, but additional data are needed to prove that conclusively. Therefore, this variant has been classified as Likely Pathogenic. This variant disrupts the p.Gly420 amino acid residue in COL2A1. Other variant(s) that disrupt this residue have been observed in individuals with COL2A1-related conditions (PMID: 26626311; Invitae), which suggests that this may be a clinically significant amino acid residue. This variant disrupts the triple helix domain of COL2A1. Glycine residues within the Gly-Xaa-Yaa repeats of the triple helix domain are required for the structure and stability of fibrillar collagens (PMID: 7695699, 8218237, 19344236). In COL2A1, variants affecting these glycine residues are significantly enriched in individuals with disease (PMID: 9016532, 17078022) compared to the general population (ExAC). Advanced modeling of protein sequence and biophysical properties (such as structural, functional, and spatial information, amino acid conservation, physicochemical variation, residue mobility, and thermodynamic stability) performed at Invitae indicates that this missense variant is expected to disrupt COL2A1 protein function. This missense change has been observed in individual(s) with clinical features of COL2A1-related conditions (Invitae). This variant is not present in population databases (gnomAD no frequency). This sequence change replaces glycine, which is neutral and non-polar, with arginine, which is basic and polar, at codon 420 of the COL2A1 protein (p.Gly420Arg).

Literature cited by the submitters: PubMed 26626311 (cited by Labcorp Genetics (formerly Invitae), Labcorp); PubMed 7695699 (cited by Labcorp Genetics (formerly Invitae), Labcorp); PubMed 8218237 (cited by Labcorp Genetics (formerly Invitae), Labcorp); PubMed 19344236 (cited by Labcorp Genetics (formerly Invitae), Labcorp); PubMed 9016532 (cited by Labcorp Genetics (formerly Invitae), Labcorp); PubMed 17078022 (cited by Labcorp Genetics (formerly Invitae), Labcorp).

NM_001844.5(COL2A1):c.1258G>A (p.Gly420Arg)

Gene: COL2A1 (collagen type II alpha 1 chain; minus strand). Cytogenetic location: 12q13.11.
Variant type: single nucleotide variant.
Coding change: c.1258G>A on transcript NM_001844.5 (MANE Select); coding-DNA position 1258, G replaced by A.
Protein change: p.Gly420Arg; replaces glycine 420 with arginine.
Molecular consequence: missense variant.
Genome position (GRCh38, 1-based): chr12:47,987,277, C>T on the plus strand (G>A on the coding strand, the complement: COL2A1 is on the minus strand). VCF-style: chr12-47987277-C-T. GRCh37 (hg19) VCF-style: chr12-48381060-C-T.
Other names: c.1258G>A (NM_001844.4); c.1051G>A, p.Gly351Arg (NM_033150.3); short protein forms G351R, G420R.
Identifiers: ClinVar variation 1345423 (VCV001345423.8), dbSNP rs867799325, ClinGen allele CA236528006.